The following is an entry in ClinVar:

NM_004341.5(CAD):c.667C>A (p.Pro223Thr)

Gene: CAD (carbamoyl-phosphate synthetase 2, aspartate transcarbamylase, and dihydroorotase; plus strand). Cytogenetic location: 2p23.3.
Variant type: single nucleotide variant.
Coding change: c.667C>A on transcript NM_004341.5 (MANE Select); coding-DNA position 667, C replaced by A.
Protein change: p.Pro223Thr; replaces proline 223 with threonine.
Molecular consequence: missense variant.
Genome position (GRCh38, 1-based): chr2:27,222,895, C>A. VCF-style: chr2-27222895-C-A. GRCh37 (hg19) VCF-style: chr2-27445763-C-A.
Other names: c.667C>A, p.Pro223Thr (NM_001306079.2); short protein forms P223T.
Identifiers: ClinVar variation 1431692 (VCV001431692.6), dbSNP rs2148060289, ClinGen allele CA346200475.

ClinVar aggregate classification (germline): Uncertain significance (1 of 4 stars; one submission).

Submission:

Labcorp Genetics (formerly Invitae), Labcorp
Classification: Uncertain significance. Last evaluated: 2022-08-10. Review status: criteria provided, single submitter. Criteria: Invitae Variant Classification Sherloc (09022015). Collection method: clinical testing. Allele origin: germline.
Comment: Algorithms developed to predict the effect of missense changes on protein structure and function are either unavailable or do not agree on the potential impact of this missense change (SIFT: "Deleterious"; PolyPhen-2: "Probably Damaging"; Align-GVGD: "Class C0"). ClinVar contains an entry for this variant (Variation ID: 1431692). This variant has not been reported in the literature in individuals affected with CAD-related conditions. This variant is not present in population databases (gnomAD no frequency). This sequence change replaces proline, which is neutral and non-polar, with threonine, which is neutral and polar, at codon 223 of the CAD protein (p.Pro223Thr). In summary, the available evidence is currently insufficient to determine the role of this variant in disease. Therefore, it has been classified as a Variant of Uncertain Significance.